The following is an entry in ClinVar:

NM_005120.3(MED12):c.3220A>G (p.Ile1074Val)

Gene: MED12 (mediator complex subunit 12; plus strand). Cytogenetic location: Xq13.1.
Variant type: single nucleotide variant.
Coding change: c.3220A>G on transcript NM_005120.3 (MANE Select); coding-DNA position 3220, A replaced by G.
Protein change: p.Ile1074Val; replaces isoleucine 1074 with valine.
Molecular consequence: missense variant.
Genome position (GRCh38, 1-based): chrX:71,128,306, A>G. VCF-style: chrX-71128306-A-G. GRCh37 (hg19) VCF-style: chrX-70348156-A-G.
Other names: c.3220A>G (NM_005120.2); short protein forms I1074V.
Identifiers: ClinVar variation 1047327 (VCV001047327.10), dbSNP rs2092308336, ClinGen allele CA413517951.

ClinVar aggregate classification (germline): Uncertain significance. Review status: criteria provided, multiple submitters, no conflicts (2 of 4 stars). 2 submissions from 2 submitters: Uncertain significance (2). Last evaluated 2025-07-18.

Conditions:
FG syndrome (FGS). Identifiers: MedGen C0220769, MONDO:0002010.

Submissions (2):

GeneDx
Classification: Uncertain significance. Last evaluated: 2025-07-18. Review status: criteria provided, single submitter. Criteria: GeneDx Variant Classification Process June 2021. Collection method: clinical testing. Allele origin: germline. Affected: yes.
Comment: Not observed at significant frequency in large population cohorts (gnomAD); In silico analysis suggests that this missense variant does not alter protein structure/function; Has not been previously published as pathogenic or benign to our knowledge

Labcorp Genetics (formerly Invitae), Labcorp
Classification: Uncertain significance for FG syndrome. Last evaluated: 2024-02-23. Review status: criteria provided, single submitter. Criteria: Invitae Variant Classification Sherloc (09022015). Collection method: clinical testing. Allele origin: germline.
Comment: This sequence change replaces isoleucine, which is neutral and non-polar, with valine, which is neutral and non-polar, at codon 1074 of the MED12 protein (p.Ile1074Val). This variant is not present in population databases (gnomAD no frequency). This variant has not been reported in the literature in individuals affected with MED12-related conditions. ClinVar contains an entry for this variant (Variation ID: 1047327). Advanced modeling of protein sequence and biophysical properties (such as structural, functional, and spatial information, amino acid conservation, physicochemical variation, residue mobility, and thermodynamic stability) performed at Invitae indicates that this missense variant is not expected to disrupt MED12 protein function with a negative predictive value of 95%. In summary, the available evidence is currently insufficient to determine the role of this variant in disease. Therefore, it has been classified as a Variant of Uncertain Significance.